The following is an entry in ClinVar:

ClinVar aggregate classification (germline): Uncertain significance (1 of 4 stars; one submission).

Conditions:
Hereditary pancreatitis (PCTT). Also called: Hereditary chronic pancreatitis; PRSS1-Related Hereditary Pancreatitis. Identifiers: Orphanet 676, MedGen C0238339, MONDO:0008185, OMIM 167800.

gnomAD v4.1: 1 of 1,613,556 alleles (0.000062%); highest among the groups gnomAD compares: Admixed American, 0.0017%; no homozygotes.

Submission:

Ambry Genetics
Classification: Uncertain significance for Hereditary pancreatitis. Last evaluated: 2024-10-20. Review status: criteria provided, single submitter. Criteria: Ambry Variant Classification Scheme 2023. Collection method: clinical testing. Allele origin: germline.
Comment: The p.T124N variant (also known as c.371C>A), located in coding exon 3 of the CPA1 gene, results from a C to A substitution at nucleotide position 371. The threonine at codon 124 is replaced by asparagine, an amino acid with similar properties. This amino acid position is conserved. In addition, this alteration is predicted to be tolerated by in silico analysis. Based on the available evidence, the clinical significance of this variant remains unclear.

NM_001868.4(CPA1):c.371C>A (p.Thr124Asn)

Gene: CPA1 (carboxypeptidase A1; plus strand). Cytogenetic location: 7q32.2.
Variant type: single nucleotide variant.
Coding change: c.371C>A on transcript NM_001868.4 (MANE Select); coding-DNA position 371, C replaced by A.
Protein change: p.Thr124Asn; replaces threonine 124 with asparagine.
Molecular consequence: missense variant.
Genome position (GRCh38, 1-based): chr7:130,381,853, C>A. VCF-style: chr7-130381853-C-A. GRCh37 (hg19) VCF-style: chr7-130021694-C-A.
Other names: short protein forms T124N.
Identifiers: ClinVar variation 3496216 (VCV003496216.1).